The following is an entry in ClinVar:

NM_006302.3(MOGS):c.918G>A (p.Trp306Ter)

Gene: MOGS (mannosyl-oligosaccharide glucosidase; minus strand). Cytogenetic location: 2p13.1.
Variant type: single nucleotide variant.
Coding change: c.918G>A on transcript NM_006302.3 (MANE Select); coding-DNA position 918, G replaced by A.
Protein change: p.Trp306Ter; replaces tryptophan 306 with a stop codon.
Molecular consequence: nonsense.
Genome position (GRCh38, 1-based): chr2:74,462,871, C>T on the plus strand (G>A on the coding strand, the complement: MOGS is on the minus strand). VCF-style: chr2-74462871-C-T. GRCh37 (hg19) VCF-style: chr2-74689998-C-T.
Other names: c.600G>A, p.Trp200Ter (NM_001146158.2); short protein forms W200*, W306*.
Identifiers: ClinVar variation 2627430 (VCV002627430.1), dbSNP rs778256313, ClinGen allele CA1724882.

ClinVar aggregate classification (germline): Uncertain significance (1 of 4 stars; one submission).

Conditions:
MOGS-congenital disorder of glycosylation. Also called: CDG IIb; CDG 2B; MOGS-CDG; GLUCOSIDASE I DEFICIENCY. Identifiers: Orphanet 79330, MedGen C1853736, MONDO:0011629, OMIM 606056.

Allele frequency attached by ClinVar (database versions not stated): gnomAD exomes below 0.00001; ExAC 0.00001.
gnomAD v4.1: 2 of 1,614,198 alleles (0.00012%); highest among the groups gnomAD compares: South Asian, 0.0022%; no homozygotes.

Submission:

Neuberg Centre For Genomic Medicine, NCGM
Classification: Uncertain significance for MOGS-congenital disorder of glycosylation. Review status: criteria provided, single submitter. Criteria: ACMG Guidelines, 2015. Collection method: clinical testing. Allele origin: germline. Inheritance: Autosomal recessive inheritance. Affected: yes.
Comment: The stop gained p.W306* in MOGS (NM_006302.3) has not been reported previously as a pathogenic variant nor as a benign variant, to our knowledge. The p.W306* variant is observed in 1/30,600 (0.0033%) alleles from individuals of South Asian background in gnomAD Exomes and is novel (not in any individuals) in 1000 Genomes. The variant is present in the last exon and hence functional studies will be required for the same. For these reasons, this variant has been classified as Uncertain Significance.